The following is an entry in ClinVar:

NM_019616.4(F7):c.1097T>C (p.Phe366Ser)

Gene: F7 (coagulation factor VII; plus strand). Cytogenetic location: 13q34.
Variant type: single nucleotide variant.
Coding change: c.1097T>C on transcript NM_019616.4 (MANE Select); coding-DNA position 1097, T replaced by C.
Protein change: p.Phe366Ser; replaces phenylalanine 366 with serine.
Molecular consequence: missense variant. On other transcripts: non-coding transcript variant (1).
Genome position (GRCh38, 1-based): chr13:113,118,770, T>C. VCF-style: chr13-113118770-T-C. GRCh37 (hg19) VCF-style: chr13-113773084-T-C.
Other names: p.Phe388Ser; c.1163T>C, p.Phe388Ser (NM_000131.5); c.911T>C, p.Phe304Ser (NM_001267554.2); short protein forms F304S, F388S, F366S.
Identifiers: ClinVar variation 4541811 (VCV004541811.1).

ClinVar aggregate classification (germline): Pathogenic (1 of 4 stars; one submission).

gnomAD v4.1: 9 of 1,613,078 alleles (0.00056%); highest among the groups gnomAD compares: Admixed American, 0.012%; no homozygotes.

Submission:

Mayo Clinic Laboratories, Mayo Clinic
Classification: Pathogenic. Last evaluated: 2025-03-27. Review status: criteria provided, single submitter. Criteria: ACMG Guidelines, 2015. Collection method: clinical testing. Allele origin: germline. Observed: 1 variant allele.
Comment: PP3_strong, PM2_supporting, PM3, PS3, PS4

Literature cited by the submitters: PubMed 11313743; PubMed 18976247; PubMed 38202056; PubMed 8940045.